The following is an entry in ClinVar:

ClinVar aggregate classification (germline): Uncertain significance (1 of 4 stars; one submission).

Submission:

Labcorp Genetics (formerly Invitae), Labcorp
Classification: Uncertain significance. Last evaluated: 2021-02-13. Review status: criteria provided, single submitter. Criteria: Invitae Variant Classification Sherloc (09022015). Collection method: clinical testing. Allele origin: germline.
Comment: This sequence change falls in intron 4 of the SMARCD2 gene. It does not directly change the encoded amino acid sequence of the SMARCD2 protein. It affects a nucleotide within the consensus splice site of the intron. In summary, the available evidence is currently insufficient to determine the role of this variant in disease. Therefore, it has been classified as a Variant of Uncertain Significance. Nucleotide substitutions within the consensus splice site are a relatively common cause of aberrant splicing (PMID: 17576681, 9536098). Algorithms developed to predict the effect of sequence changes on RNA splicing suggest that this variant may disrupt the consensus splice site, but this prediction has not been confirmed by published transcriptional studies. This variant has not been reported in the literature in individuals with SMARCD2-related conditions. This variant is not present in population databases (ExAC no frequency).

Literature cited by the submitters: PubMed 17576681; PubMed 9536098.

NM_001098426.2(SMARCD2):c.567+5G>T

Gene: SMARCD2 (SWI/SNF related BAF chromatin remodeling complex subunit D2; minus strand). Cytogenetic location: 17q23.3.
Variant type: single nucleotide variant.
Coding change: c.567+5G>T on transcript NM_001098426.2 (MANE Select); 5 bases into the intron after coding-DNA position 567, G replaced by T.
Molecular consequence: intron variant.
Genome position (GRCh38, 1-based): chr17:63,836,917, C>A on the plus strand (G>T on the coding strand, the complement: SMARCD2 is on the minus strand). VCF-style: chr17-63836917-C-A. GRCh37 (hg19) VCF-style: chr17-61914277-C-A.
Other names: c.342+5G>T (NM_001330439.1); c.423+5G>T (NM_001330440.2).
Identifiers: ClinVar variation 1408875 (VCV001408875.6), dbSNP rs952903722, ClinGen allele CA2573154584.
Genomic context (GRCh38, chr17:63,836,917, plus strand): 5'-GGAAAACAAGGGGGTGGAAGGCAAGGAAACCTGGGAAGGCTAGAGGTGGTCAGGGCCACA[C>A]ATACTGTCAGAGGCTTTTTGATGGCCTCCTGGATCTCCATCCGCTTGCGAGCAATGGTCT-3'